The following is an entry in ClinVar:

ClinVar aggregate classification (germline): Uncertain significance. Review status: criteria provided, multiple submitters, no conflicts (2 of 4 stars). 3 submissions from 3 submitters: Uncertain significance (3). Last evaluated 2025-02-24.

Conditions:
Bohring-Opitz syndrome. Also called: C-LIKE SYNDROME; BOHRING SYNDROME; OPITZ TRIGONOCEPHALY-LIKE SYNDROME; ASXL1-Related Bohring-Opitz Syndrome. Identifiers: Orphanet 97297, MedGen C0796232, MONDO:0011510, OMIM 605039.
Inborn genetic diseases. Identifiers: MedGen C0950123, MeSH D030342.

Allele frequency attached by ClinVar (database versions not stated): TOPMed 0.00001; ExAC 0.00001; gnomAD 0.00001; gnomAD exomes below 0.00001.
gnomAD v4.1: 3 of 1,613,412 alleles (0.00019%); highest among the groups gnomAD compares: Non-Finnish European, 0.00025%; no homozygotes.

Submissions (3):

Ambry Genetics
Classification: Uncertain significance for Inborn genetic diseases. Last evaluated: 2025-02-24. Review status: criteria provided, single submitter. Criteria: Ambry Variant Classification Scheme 2023. Collection method: clinical testing. Allele origin: germline.
Comment: The p.Q89K variant (also known as c.265C>A), located in coding exon 5 of the ASXL1 gene, results from a C to A substitution at nucleotide position 265. The glutamine at codon 89 is replaced by lysine, an amino acid with similar properties. This amino acid position is conserved. In addition, this alteration is predicted to be tolerated by in silico analysis. Based on the available evidence, the clinical significance of this variant remains unclear.

Revvity Omics, Revvity
Classification: Uncertain significance for Bohring-Opitz syndrome. Last evaluated: 2023-11-22. Review status: criteria provided, single submitter. Criteria: ACMG Guidelines, 2015. Collection method: clinical testing. Allele origin: germline.

Labcorp Genetics (formerly Invitae), Labcorp
Classification: Uncertain significance. Last evaluated: 2023-06-25. Review status: criteria provided, single submitter. Criteria: Invitae Variant Classification Sherloc (09022015). Collection method: clinical testing. Allele origin: germline.
Comment: In summary, the available evidence is currently insufficient to determine the role of this variant in disease. Therefore, it has been classified as a Variant of Uncertain Significance. An algorithm developed to predict the effect of missense changes on protein structure and function (PolyPhen-2) suggests that this variant is likely to be disruptive. ClinVar contains an entry for this variant (Variation ID: 2077628). This variant has not been reported in the literature in individuals affected with ASXL1-related conditions. This variant is present in population databases (rs752178487, gnomAD 0.0009%). This sequence change replaces glutamine, which is neutral and polar, with lysine, which is basic and polar, at codon 89 of the ASXL1 protein (p.Gln89Lys).

NM_015338.6(ASXL1):c.265C>A (p.Gln89Lys)

Gene: ASXL1 (ASXL transcriptional regulator 1; plus strand). Cytogenetic location: 20q11.21.
Variant type: single nucleotide variant.
Coding change: c.265C>A on transcript NM_015338.6 (MANE Select); coding-DNA position 265, C replaced by A.
Protein change: p.Gln89Lys; replaces glutamine 89 with lysine.
Molecular consequence: missense variant.
Genome position (GRCh38, 1-based): chr20:32,428,140, C>A. VCF-style: chr20-32428140-C-A. GRCh37 (hg19) VCF-style: chr20-31015943-C-A.
Other names: c.235C>A, p.Gln79Lys (NM_001363734.1); short protein forms Q79K, Q89K.
Identifiers: ClinVar variation 2077628 (VCV002077628.6), dbSNP rs752178487, ClinGen allele CA9808051.